The following is an entry in ClinVar:

NM_017934.7(PHIP):c.2337T>C (p.His779=)

Gene: PHIP (PHIP subunit of CUL4-Ring ligase complex; minus strand). Cytogenetic location: 6q14.1.
Variant type: single nucleotide variant.
Coding change: c.2337T>C on transcript NM_017934.7 (MANE Select); coding-DNA position 2337, T replaced by C.
Protein change: p.His779=; no amino-acid change (histidine 779 retained).
Molecular consequence: synonymous variant.
Genome position (GRCh38, 1-based): chr6:78,988,332, A>G on the plus strand (T>C on the coding strand, the complement: PHIP is on the minus strand). VCF-style: chr6-78988332-A-G. GRCh37 (hg19) VCF-style: chr6-79698049-A-G.
Identifiers: ClinVar variation 4986340 (VCV004986340.1).

ClinVar aggregate classification (germline): Likely benign (1 of 4 stars; one submission).

Conditions:
PHIP-related disorder. Also called: PHIP-related disorders; PHIP-related condition.

gnomAD v4.1: 2 of 1,601,630 alleles (0.00012%); highest among the groups gnomAD compares: South Asian, 0.0011%; no homozygotes.

Submission:

PreventionGenetics, part of Exact Sciences
Classification: Likely benign for PHIP-related condition. Last evaluated: 2024-12-26. Review status: criteria provided, single submitter. Criteria: ACMG Guidelines, 2015. Collection method: clinical testing. Allele origin: germline.
Comment: This variant is classified as likely benign based on ACMG/AMP sequence variant interpretation guidelines (Richards et al. 2015 PMID: 25741868, with internal and published modifications).